The following is an entry in ClinVar:

ClinVar aggregate classification (germline): Conflicting classifications of pathogenicity. Review status: criteria provided, conflicting classifications (1 of 4 stars). 2 submissions from 2 submitters: Uncertain significance (1); Likely benign (1). Last evaluated 2025-06-02.

Conditions:
Adams-Oliver syndrome 5 (AOS5). Identifiers: Orphanet 974, MedGen C4014970, MONDO:0014459, OMIM 616028.
Familial thoracic aortic aneurysm and aortic dissection (TAAD). Also called: Thoracic aortic aneurysms and dissections. Identifiers: Orphanet 91387, MedGen C4707243, MONDO:0019625.

Allele frequency attached by ClinVar (database versions not stated): gnomAD exomes below 0.00001; TOPMed below 0.00001; ExAC 0.00001; gnomAD 0.00001.
gnomAD v4.1: 6 of 1,612,644 alleles (0.00037%); highest among the groups gnomAD compares: South Asian, 0.0022%; no homozygotes.

Submissions (2):

Labcorp Genetics (formerly Invitae), Labcorp
Classification: Likely benign for Adams-Oliver syndrome 5. Last evaluated: 2025-06-02. Review status: criteria provided, single submitter. Criteria: Invitae Variant Classification Sherloc (09022015). Collection method: clinical testing. Allele origin: germline.

Ambry Genetics
Classification: Uncertain significance for Familial thoracic aortic aneurysm and aortic dissection. Last evaluated: 2022-01-02. Review status: criteria provided, single submitter. Criteria: Ambry Variant Classification Scheme 2023. Collection method: clinical testing. Allele origin: germline.
Comment: The p.Y850C variant (also known as c.2549A>G), located in coding exon 16 of the NOTCH1 gene, results from an A to G substitution at nucleotide position 2549. The tyrosine at codon 850 is replaced by cysteine, an amino acid with highly dissimilar properties. This amino acid position is conserved. In addition, the in silico prediction for this alteration is inconclusive. Since supporting evidence is limited at this time, the clinical significance of this alteration remains unclear.

NM_017617.5(NOTCH1):c.2549A>G (p.Tyr850Cys)

Gene: NOTCH1 (notch receptor 1; minus strand). Cytogenetic location: 9q34.3.
Variant type: single nucleotide variant.
Coding change: c.2549A>G on transcript NM_017617.5 (MANE Select); coding-DNA position 2549, A replaced by G.
Protein change: p.Tyr850Cys; replaces tyrosine 850 with cysteine.
Molecular consequence: missense variant.
Genome position (GRCh38, 1-based): chr9:136,511,190, T>C on the plus strand (A>G on the coding strand, the complement: NOTCH1 is on the minus strand). VCF-style: chr9-136511190-T-C. GRCh37 (hg19) VCF-style: chr9-139405642-T-C.
Other names: short protein forms Y850C.
Identifiers: ClinVar variation 1792909 (VCV001792909.4), dbSNP rs775846884, ClinGen allele CA5341271.